The following is an entry in ClinVar:

NM_003482.4(KMT2D):c.2428_2508del (p.Thr810_Gln836del)

Gene: KMT2D (lysine methyltransferase 2D; minus strand). Cytogenetic location: 12q13.12.
Variant type: Deletion.
Coding change: c.2428_2508del on transcript NM_003482.4 (MANE Select); coding-DNA positions 2428 to 2508, 81 bases deleted.
Protein change: p.Thr810_Gln836del.
Molecular consequence: inframe deletion.
Genome position (GRCh38, 1-based): chr12:49,051,175-49,051,255, 81 bases deleted. GRCh37 (hg19): chr12:49,444,973-49,445,053.
Other names: c.2428_2508del81 (NM_003482.3); c.2428_2508delACTGAGGAGCCGCACCTGTCTCCTGTGCCTGAGGAGCCATGCTTGTCCCCCCAACCTGAGGAATCACACCTGTCCCCCCAG (NM_003482.3).
Identifiers: ClinVar variation 94201 (VCV000094201.10), dbSNP rs1555196792, ClinGen allele CA222058.

ClinVar aggregate classification (germline): Uncertain significance. Review status: criteria provided, multiple submitters, no conflicts (2 of 4 stars). 4 submissions from 4 submitters: Uncertain significance (3). 1 of the submissions does not count toward it. Last evaluated 2025-11-03.

Conditions:
KMT2D-related disorder. Also called: KMT2D-Related Disorders.
Kabuki syndrome. Also called: NIIKAWA-KUROKI SYNDROME; Kabuki make-up syndrome. Identifiers: Orphanet 2322, MedGen C0796004, MONDO:0016512.

Submissions (4):

Labcorp Genetics (formerly Invitae), Labcorp
Classification: Uncertain significance for Kabuki syndrome. Last evaluated: 2025-11-03. Review status: criteria provided, single submitter. Criteria: Invitae Variant Classification Sherloc (09022015). Collection method: clinical testing. Allele origin: germline.
Comment: This variant, c.2428_2508del, results in the deletion of 27 amino acid(s) of the KMT2D protein (p.Thr810_Gln836del), but otherwise preserves the integrity of the reading frame. The frequency data for this variant in the population databases is considered unreliable, as metrics indicate poor data quality at this position in the gnomAD database. This variant has not been reported in the literature in individuals affected with KMT2D-related conditions. ClinVar contains an entry for this variant (Variation ID: 94201). Experimental studies and prediction algorithms are not available or were not evaluated, and the functional significance of this variant is currently unknown. In summary, the available evidence is currently insufficient to determine the role of this variant in disease. Therefore, it has been classified as a Variant of Uncertain Significance.

GeneDx
Classification: Uncertain significance. Last evaluated: 2017-05-05. Review status: criteria provided, single submitter. Criteria: GeneDx Variant Classification (06012015). Collection method: clinical testing. Allele origin: germline. Affected: yes.
Comment: The c.2428_2508del81 variant in the KMT2D gene has not been reported previously as a pathogenic variant nor as a benign variant, to our knowledge. The c.2428_2508del81 variant causes an in-frame deletion of 27 amino acids from Threonine 810 to Glutamine 836, denoted p.Thr810_Gln836del. The c.2428_2508del81 variant is not observed in large population cohorts (Lek et al., 2016; 1000 Genomes Consortium et al., 2015; Exome Variant Server). We interpret c.2428_2508del81 as a variant of uncertain significance.

Eurofins Ntd Llc (ga)
Classification: Uncertain significance. Last evaluated: 2012-09-14. Review status: criteria provided, single submitter. Criteria: EGL Classification Definitions 2015. Collection method: clinical testing. Allele origin: germline. Observed: 2 variant alleles, 2 heterozygotes.

PreventionGenetics, part of Exact Sciences
Classification: Uncertain significance for KMT2D-related condition. Last evaluated: 2024-06-21. Review status: no assertion criteria provided. Collection method: clinical testing. Allele origin: germline. Not counted in ClinVar's aggregate classification.
Comment: The KMT2D c.2428_2508del81 variant is predicted to result in an in-frame deletion (p.Thr810_Gln836del). To our knowledge, this variant has not been reported in the literature. This variant is reported in 0.0012% of alleles in individuals of European (Non-Finnish) descent in gnomAD. At this time, the clinical significance of this variant is uncertain due to the absence of conclusive functional and genetic evidence.